The following is an entry in ClinVar:

NM_003470.3(USP7):c.37_51dup (p.Leu17_Ser18insGlyGluGlnGlnLeu)

Genes: USP7 (ubiquitin specific peptidase 7; minus strand), USP7-AS1 (USP7 antisense RNA 1; plus strand). Cytogenetic location: 16p13.2.
Variant type: Duplication.
Coding change: c.37_51dup on transcript NM_003470.3 (MANE Select); coding-DNA positions 37 to 51, 15 bases duplicated (GGCGAGCAGCAGTTG).
Protein change: p.Leu17_Ser18insGlyGluGlnGlnLeu.
Molecular consequence: inframe insertion.
Genome position (GRCh38, 1-based): chr16:8,963,235-8,963,249, CAACTGCTGCTCGCC duplicated on the plus strand (GGCGAGCAGCAGTTG on the coding strand, the reverse complement: USP7 is on the minus strand); duplicating any 15 consecutive bases within chr16:8,963,235-8,963,250 gives the same sequence; the c. name uses the placement nearest the transcript's 3' end. VCF-style (leftmost placement, unchanged base first): chr16-8963234-T-TCAACTGCTGCTCGCC. GRCh37 (hg19) VCF-style: chr16-9057091-T-TCAACTGCTGCTCGCC.
Identifiers: ClinVar variation 3382375 (VCV003382375.2).

ClinVar aggregate classification (germline): Uncertain significance (1 of 4 stars; one submission).

Conditions:
Hao-Fountain syndrome due to USP7 mutation. Also called: USP7-Related Hao Fountain Syndrome. Identifiers: Orphanet 643538, MedGen C5816734, MONDO:0958071, OMIM 616863.

Submission:

Juno Genomics, Hangzhou Juno Genomics, Inc
Classification: Uncertain significance for Hao-Fountain syndrome due to USP7 mutation. Review status: criteria provided, single submitter. Criteria: ACMG Guidelines, 2015. Collection method: clinical testing. Allele origin: germline. Affected: yes.
Comment: Absent from controls (or at extremely low frequency if recessive) in Genome Aggregation Database, Exome Sequencing Project, 1000 Genomes Project, or Exome Aggregation Consortium.;Protein length changes due to in-frame deletions/insertions in a non-repeat region or stop-loss variants.